The following is an entry in ClinVar:

ClinVar aggregate classification (germline): Uncertain significance (1 of 4 stars; one submission).

Submission:

GeneDx
Classification: Uncertain significance. Last evaluated: 2024-01-11. Review status: criteria provided, single submitter. Criteria: GeneDx Variant Classification Process June 2021. Collection method: clinical testing. Allele origin: germline. Affected: yes.
Comment: Not observed at significant frequency in large population cohorts (gnomAD); In silico analysis supports that this missense variant does not alter protein structure/function; Has not been previously published as pathogenic or benign to our knowledge

NM_021098.3(CACNA1H):c.1906T>C (p.Trp636Arg)

Gene: CACNA1H (calcium voltage-gated channel subunit alpha1 H; plus strand). Cytogenetic location: 16p13.3.
Variant type: single nucleotide variant.
Coding change: c.1906T>C on transcript NM_021098.3 (MANE Select); coding-DNA position 1906, T replaced by C.
Protein change: p.Trp636Arg; replaces tryptophan 636 with arginine.
Molecular consequence: missense variant.
Genome position (GRCh38, 1-based): chr16:1,202,356, T>C. VCF-style: chr16-1202356-T-C. GRCh37 (hg19) VCF-style: chr16-1252356-T-C.
Other names: c.1906T>C, p.Trp636Arg (NM_001005407.2); short protein forms W636R.
Identifiers: ClinVar variation 3367441 (VCV003367441.1).